The following is an entry in ClinVar:

NM_000091.5(COL4A3):c.1114+1G>T

Genes: MFF-DT (MFF divergent transcript; minus strand), COL4A3 (collagen type IV alpha 3 chain; plus strand). Cytogenetic location: 2q36.3.
Variant type: single nucleotide variant.
Coding change: c.1114+1G>T on transcript NM_000091.5 (MANE Select); the canonical splice donor site of the intron after coding-DNA position 1114, G replaced by T.
Molecular consequence: splice donor variant.
Genome position (GRCh38, 1-based): chr2:227,259,878, G>T. VCF-style: chr2-227259878-G-T. GRCh37 (hg19) VCF-style: chr2-228124594-G-T.
Other names: c.1114+1G>T (NM_000091.4).
Identifiers: ClinVar variation 2785113 (VCV002785113.5), dbSNP rs1286895614, ClinGen allele CA350868524.

ClinVar aggregate classification (germline): Likely pathogenic. Review status: criteria provided, multiple submitters, no conflicts (2 of 4 stars). 3 submissions from 3 submitters: Likely pathogenic (3). Last evaluated 2024-09-16.

Conditions:
Alport syndrome. Also called: Hemorrhagic familial nephritis; Hemorrhagic hereditary nephritis; Congenital hereditary hematuria. Identifiers: Orphanet 63, MedGen C1567741, MONDO:0018965.
Autosomal dominant Alport syndrome (ATS3A). Also called: ALPORT SYNDROME 3A, AUTOSOMAL DOMINANT; Alport syndrome dominant type; Renal failure and sensorineural hearing loss. Identifiers: Orphanet 63, Orphanet 88918, MedGen C5882663, MONDO:0007086, OMIM 104200.
Alport syndrome 3b, autosomal recessive. Identifiers: MedGen C5882699, MONDO:0957811, OMIM 620536.
Hematuria, benign familial, 2 (BFH2). Identifiers: MedGen C5830421, MONDO:0958186, OMIM 620320.

Allele frequency attached by ClinVar (database versions not stated): gnomAD 0.00001; TOPMed 0.00001.
gnomAD v4.1: 4 of 1,610,324 alleles (0.00025%); highest among the groups gnomAD compares: African/African-American, 0.0027%; no homozygotes.

Submissions (3):

Natera, Inc.
Classification: Likely pathogenic for Alport syndrome. Last evaluated: 2024-09-16. Review status: criteria provided, single submitter. Criteria: Natera Variant Classification Schema (03/2026). Collection method: clinical testing. Allele origin: germline.
Comment: The c.1114+1G>T variant in COL4A3 is a canonical splice donor site variant predicted to affect pre-mRNA splicing, which may result in an abnormal transcript and altered protein product. This variant is expected to result in nonsense mediated decay, truncation, or a dysfunctional protein product. This variant is rare in the general population with a frequency below the threshold expected for the associated phenotype(s). Given the available evidence, this variant is classified as Likely Pathogenic.

Fulgent Genetics
Classification: Likely pathogenic for Autosomal dominant Alport syndrome; Hematuria, benign familial, 2; Alport syndrome 3b, autosomal recessive. Last evaluated: 2024-02-28. Review status: criteria provided, single submitter. Criteria: ACMG Guidelines, 2015. Collection method: clinical testing. Allele origin: germline.

Labcorp Genetics (formerly Invitae), Labcorp
Classification: Likely pathogenic. Last evaluated: 2023-06-20. Review status: criteria provided, single submitter. Criteria: Invitae Variant Classification Sherloc (09022015). Collection method: clinical testing. Allele origin: germline.
Comment: This sequence change affects a donor splice site in intron 19 of the COL4A3 gene. It is expected to disrupt RNA splicing. Variants that disrupt the donor or acceptor splice site typically lead to a loss of protein function (PMID: 16199547), and loss-of-function variants in COL4A3 are known to be pathogenic (PMID: 8956999, 24854265, 26809805, 27281700). This variant is not present in population databases (gnomAD no frequency). This variant has not been reported in the literature in individuals affected with COL4A3-related conditions. Algorithms developed to predict the effect of sequence changes on RNA splicing suggest that this variant may disrupt the consensus splice site. In summary, the currently available evidence indicates that the variant is pathogenic, but additional data are needed to prove that conclusively. Therefore, this variant has been classified as Likely Pathogenic.

Literature cited by the submitters: PubMed 16199547 (cited by Labcorp Genetics (formerly Invitae), Labcorp); PubMed 8956999 (cited by Labcorp Genetics (formerly Invitae), Labcorp); PubMed 24854265 (cited by Labcorp Genetics (formerly Invitae), Labcorp); PubMed 26809805 (cited by Labcorp Genetics (formerly Invitae), Labcorp); PubMed 27281700 (cited by Labcorp Genetics (formerly Invitae), Labcorp).